The following is an entry in ClinVar:

ClinVar aggregate classification (germline): Likely benign. Review status: criteria provided, multiple submitters, no conflicts (2 of 4 stars). 4 submissions from 4 submitters: Likely benign (4). Last evaluated 2025-07-06.

Conditions:
Hereditary cancer-predisposing syndrome. Also called: Tumor predisposition; Hereditary neoplastic syndrome; Neoplastic Syndromes, Hereditary; Hereditary Cancer Syndrome. Identifiers: Orphanet 140162, MedGen C0027672, MeSH D009386, MONDO:0015356.
Familial adenomatous polyposis 2. Also called: MUTYH Polyposis; COLORECTAL ADENOMATOUS POLYPOSIS, AUTOSOMAL RECESSIVE; ADENOMAS, MULTIPLE COLORECTAL, AUTOSOMAL RECESSIVE; MUTYH-associated polyposis; MUTYH-related attenuated familial adenomatous polyposis; Adenomas, multiple colorectal. Identifiers: Orphanet 220460, Orphanet 247798, MedGen C3272841, MONDO:0012041, OMIM 608456.

Allele frequency attached by ClinVar (database versions not stated): gnomAD exomes below 0.00001; TOPMed below 0.00001.
gnomAD v4.1: 2 of 1,614,104 alleles (0.00012%); highest among the groups gnomAD compares: South Asian, 0.0011%; no homozygotes.

Submissions (4):

Labcorp Genetics (formerly Invitae), Labcorp
Classification: Likely benign for Familial adenomatous polyposis 2. Last evaluated: 2025-07-06. Review status: criteria provided, single submitter. Criteria: Invitae Variant Classification Sherloc (09022015). Collection method: clinical testing. Allele origin: germline.

All of Us Research Program, National Institutes of Health
Classification: Likely benign for Familial adenomatous polyposis 2. Last evaluated: 2023-04-03. Review status: criteria provided, single submitter. Criteria: ACMG Guidelines, 2015. Collection method: clinical testing. Allele origin: germline. Inheritance: Autosomal recessive inheritance. Observed: 1 variant allele, 1 heterozygote.
Comment: This study involves interpretation of variants in research participants for the purpose of population health screening. Participant phenotype was not available at the time of variant classification. Additional details can be found in publication PMID: 35346344, PMCID: PMC8962531

Ambry Genetics
Classification: Likely benign for Hereditary cancer-predisposing syndrome. Last evaluated: 2020-03-02. Review status: criteria provided, single submitter. Criteria: Ambry Variant Classification Scheme 2023. Collection method: clinical testing. Allele origin: germline.

Color Diagnostics, LLC DBA Color Health
Classification: Likely benign for Hereditary cancer-predisposing syndrome. Last evaluated: 2018-12-10. Review status: criteria provided, single submitter. Criteria: ACMG Guidelines, 2015. Collection method: clinical testing. Allele origin: germline.

NM_001048174.2(MUTYH):c.711A>G (p.Leu237=)

Gene: MUTYH (mutY DNA glycosylase; minus strand). Cytogenetic location: 1p34.1.
Variant type: single nucleotide variant.
Coding change: c.711A>G on transcript NM_001048174.2 (MANE Select); coding-DNA position 711, A replaced by G.
Protein change: p.Leu237=; no amino-acid change (leucine 237 retained).
Molecular consequence: synonymous variant. On other transcripts: non-coding transcript variant (2).
Genome position (GRCh38, 1-based): chr1:45,332,304, T>C on the plus strand (A>G on the coding strand, the complement: MUTYH is on the minus strand). VCF-style: chr1-45332304-T-C. GRCh37 (hg19) VCF-style: chr1-45797976-T-C.
Other names: c.711A>G, p.Leu237= (NM_001048171.2, NM_001048173.2, NM_001293195.2); c.714A>G, p.Leu238= (NM_001048172.2); c.795A>G, p.Leu265= (NM_001128425.2); c.756A>G, p.Leu252= (NM_001293190.2); c.744A>G, p.Leu248= (NM_001293191.2); c.435A>G, p.Leu145= (NM_001293192.2, NM_001293196.2); c.366A>G, p.Leu122= (NM_001350650.2, NM_001350651.2); c.786A>G, p.Leu262= (NM_012222.3).
Identifiers: ClinVar variation 533330 (VCV000533330.17), dbSNP rs1219073496, ClinGen allele CA417880207.